The following is an entry in ClinVar:

NM_001875.5(CPS1):c.3510_3511del (p.Glu1171fs)

Gene: CPS1 (carbamoyl-phosphate synthase 1; plus strand). Cytogenetic location: 2q34.
Variant type: Deletion.
Coding change: c.3510_3511del on transcript NM_001875.5 (MANE Select); coding-DNA positions 3510 to 3511, 2 bases deleted (TG; older notation c.3510_3511delTG).
Protein change: p.Glu1171fs; shifts the reading frame from glutamic acid 1171.
Molecular consequence: frameshift variant. On other transcripts: non-coding transcript variant (2).
Genome position (GRCh38, 1-based): chr2:210,654,054-210,654,055, TG deleted. VCF-style (leftmost placement, unchanged base first): chr2-210654053-TTG-T. GRCh37 (hg19) VCF-style: chr2-211518777-TTG-T.
Other names: c.3510_3511del, p.Glu1171fs (NM_001122633.3, NM_001369257.1); c.3543_3544del, p.Glu1182fs (NM_001369256.1); short protein forms E1171fs, E1182fs.
Identifiers: ClinVar variation 1726696 (VCV001726696.2), dbSNP rs2469311469, ClinGen allele CA2580065525.

ClinVar aggregate classification (germline): Likely pathogenic (1 of 4 stars; one submission).

Conditions:
Congenital hyperammonemia, type I. Also called: Carbamoyl phosphate synthetase I deficiency disease; CPS I DEFICIENCY; Carbamoyl phosphate synthetase 1 deficiency; Hyperammonemia due to carbamoyl phosphate synthetase 1 deficiency; CPS 1 deficiency; Carbamyl phosphate synthetase (CPS) deficiency. Identifiers: Orphanet 147, MedGen C4082171, MONDO:0009376, OMIM 237300.

Submission:

Myriad Genetics, Inc.
Classification: Likely pathogenic for Congenital hyperammonemia, type I. Last evaluated: 2021-12-30. Review status: criteria provided, single submitter. Criteria: Myriad Women's Health Autosomal Recessive and X-Linked Classification Criteria (2021). Collection method: clinical testing. Allele origin: unknown.
Comment: NM_001875.4(CPS1):c.3510_3511delTG(E1171Rfs*23) is expected to be pathogenic in the context of carbamoylphosphate synthetase I deficiency. This variant is predicted to lead to an abnormal or absent protein product due to the creation of a premature termination codon in CPS1, a gene where loss-of-function variants are known to be pathogenic. Please note: this variant was assessed in the context of healthy population screening.